The following is an entry in ClinVar:

NM_002439.5(MSH3):c.2835A>G (p.Ile945Met)

Gene: MSH3 (mutS homolog 3; plus strand). Cytogenetic location: 5q14.1.
Variant type: single nucleotide variant.
Coding change: c.2835A>G on transcript NM_002439.5 (MANE Select); coding-DNA position 2835, A replaced by G.
Protein change: p.Ile945Met; replaces isoleucine 945 with methionine.
Molecular consequence: missense variant.
Genome position (GRCh38, 1-based): chr5:80,854,151, A>G. VCF-style: chr5-80854151-A-G. GRCh37 (hg19) VCF-style: chr5-80149970-A-G.
Other names: short protein forms I945M.
Identifiers: ClinVar variation 651341 (VCV000651341.18), dbSNP rs750951036, ClinGen allele CA3328384.

ClinVar aggregate classification (germline): Uncertain significance. Review status: criteria provided, multiple submitters, no conflicts (2 of 4 stars). 7 submissions from 7 submitters: Uncertain significance (7). Last evaluated 2026-01-04.

Conditions:
Endometrial carcinoma. Also called: Endometrial carcinoma, somatic. Identifiers: MedGen C0476089, MONDO:0002447, OMIM 608089, HP:0012114.
Hereditary cancer-predisposing syndrome. Also called: Neoplastic Syndromes, Hereditary; Tumor predisposition; Hereditary Cancer Syndrome; Hereditary neoplastic syndrome. Identifiers: Orphanet 140162, MedGen C0027672, MeSH D009386, MONDO:0015356.

Allele frequency attached by ClinVar (database versions not stated): TOPMed 0.00001; gnomAD exomes 0.00002 and 0.00003; ExAC 0.00003; gnomAD 0.00003.
gnomAD v4.1: 29 of 1,613,550 alleles (0.0018%); highest among the groups gnomAD compares: Middle Eastern, 0.049%; no homozygotes.

Submissions (7):

Labcorp Genetics (formerly Invitae), Labcorp
Classification: Uncertain significance. Last evaluated: 2026-01-04. Review status: criteria provided, single submitter. Criteria: Invitae Variant Classification Sherloc (09022015). Collection method: clinical testing. Allele origin: germline.
Comment: This sequence change replaces isoleucine, which is neutral and non-polar, with methionine, which is neutral and non-polar, at codon 945 of the MSH3 protein (p.Ile945Met). This variant is present in population databases (rs750951036, gnomAD 0.004%). This variant has not been reported in the literature in individuals affected with MSH3-related conditions. ClinVar contains an entry for this variant (Variation ID: 651341). An algorithm developed to predict the effect of missense changes on protein structure and function (PolyPhen-2) suggests that this variant is likely to be disruptive. In summary, the available evidence is currently insufficient to determine the role of this variant in disease. Therefore, it has been classified as a Variant of Uncertain Significance.

Quest Diagnostics Nichols Institute San Juan Capistrano
Classification: Uncertain significance. Last evaluated: 2025-05-28. Review status: criteria provided, single submitter. Criteria: Quest Diagnostics criteria. Collection method: clinical testing. Allele origin: unknown.
Comment: The MSH3 c.2835A>G (p.Ile945Met) variant has not been reported in individuals with MSH3-related conditions in the published literature. The frequency of this variant in the general population (Genome Aggregation Database) is uninformative in the assessment of its pathogenicity. Analysis of this variant using bioinformatics tools for the prediction of the effect of amino acid changes on protein structure and function yielded conflicting predictions that this variant is benign or damaging. Based on the available information, we are unable to determine the clinical significance of this variant.

Center for Genomic Medicine, Rigshospitalet, Copenhagen University Hospital
Classification: Uncertain significance. Last evaluated: 2025-03-04. Review status: criteria provided, single submitter. Criteria: ACMG Guidelines, 2015. Collection method: clinical testing. Allele origin: germline.

Ambry Genetics
Classification: Uncertain significance for Hereditary cancer-predisposing syndrome. Last evaluated: 2024-12-13. Review status: criteria provided, single submitter. Criteria: Ambry Variant Classification Scheme 2023. Collection method: clinical testing. Allele origin: germline.
Comment: The p.I945M variant (also known as c.2835A>G), located in coding exon 21 of the MSH3 gene, results from an A to G substitution at nucleotide position 2835. The isoleucine at codon 945 is replaced by methionine, an amino acid with highly similar properties. This amino acid position is highly conserved in available vertebrate species. In addition, the in silico prediction for this alteration is inconclusive. Based on the available evidence, the clinical significance of this variant remains unclear.

Baylor Genetics
Classification: Uncertain significance for Endometrial carcinoma. Last evaluated: 2024-03-28. Review status: criteria provided, single submitter. Criteria: ACMG Guidelines, 2015. Collection method: clinical testing. Allele origin: unknown.

Sema4
Classification: Uncertain significance for Hereditary cancer-predisposing syndrome. Last evaluated: 2022-03-10. Review status: criteria provided, single submitter. Criteria: Sema4 Curation Guidelines. Collection method: curation. Allele origin: germline.
Comment: The MSH3 c.2835A>G (p.I945M) variant has not been reported in the literature to our knowledge. This variant was observed in 8/128582 chromosomes in the Non-Finnish European population according to the Genome Aggregation Database (PMID: 32461654). This variant has been reported in ClinVar (Variation ID: 651341). Functional studies have not been performed, and in silico predictions of the variant's effect on protein function are inconclusive. The evidence is insufficient to meet ACMG/AMP criteria for classifying the variant as benign or pathogenic. Thus, the clinical significance of this variant is currently uncertain.

Breakthrough Genomics
Classification: Uncertain significance. Review status: criteria provided, single submitter. Criteria: ACMG Guidelines, 2015. Collection method: not provided. Allele origin: germline. Inheritance: Autosomal recessive inheritance. Affected: yes.